The following is an entry in ClinVar:

NM_001164508.2(NEB):c.5444C>G (p.Ala1815Gly)

Gene: NEB (nebulin; minus strand). Cytogenetic location: 2q23.3.
Variant type: single nucleotide variant.
Coding change: c.5444C>G on transcript NM_001164508.2 (MANE Select); coding-DNA position 5444, C replaced by G.
Protein change: p.Ala1815Gly; replaces alanine 1815 with glycine.
Molecular consequence: missense variant.
Genome position (GRCh38, 1-based): chr2:151,664,508, G>C on the plus strand (C>G on the coding strand, the complement: NEB is on the minus strand). VCF-style: chr2-151664508-G-C. GRCh37 (hg19) VCF-style: chr2-152521022-G-C.
Other names: c.5444C>G, p.Ala1815Gly (NM_001164507.2, NM_001271208.2, NM_004543.5); short protein forms A1815G.
Identifiers: ClinVar variation 649257 (VCV000649257.6), dbSNP rs767491081, ClinGen allele CA1910370.

ClinVar aggregate classification (germline): Uncertain significance (1 of 4 stars; one submission).

Conditions:
Nemaline myopathy 2 (NEM2). Also called: Nemaline myopathy 2, autosomal recessive. Identifiers: MedGen C1850569, MONDO:0009725, OMIM 256030.

Allele frequency attached by ClinVar (database versions not stated): gnomAD exomes below 0.00001; ExAC 0.00002.
gnomAD v4.1: 1 of 1,583,502 alleles (0.000063%); highest among the groups gnomAD compares: Non-Finnish European, 0.000086%; no homozygotes.

Submission:

Labcorp Genetics (formerly Invitae), Labcorp
Classification: Uncertain significance for Nemaline myopathy 2. Last evaluated: 2022-06-04. Review status: criteria provided, single submitter. Criteria: Invitae Variant Classification Sherloc (09022015). Collection method: clinical testing. Allele origin: germline.
Comment: This sequence change replaces alanine, which is neutral and non-polar, with glycine, which is neutral and non-polar, at codon 1815 of the NEB protein (p.Ala1815Gly). The frequency data for this variant in the population databases is considered unreliable, as metrics indicate poor data quality at this position in the gnomAD database. This variant has not been reported in the literature in individuals affected with NEB-related conditions. ClinVar contains an entry for this variant (Variation ID: 649257). Algorithms developed to predict the effect of missense changes on protein structure and function are either unavailable or do not agree on the potential impact of this missense change (SIFT: "Deleterious"; PolyPhen-2: "Not Available"; Align-GVGD: "Class C0"). In summary, the available evidence is currently insufficient to determine the role of this variant in disease. Therefore, it has been classified as a Variant of Uncertain Significance.